The following is an entry in ClinVar:

ClinVar aggregate classification (germline): Uncertain significance (1 of 4 stars; one submission).

Conditions:
Lynch syndrome 4 (LYNCH4). Also called: Colorectal cancer, hereditary nonpolyposis, type 4; Hereditary non-polyposis colorectal cancer, type 4. Identifiers: Orphanet 144, MedGen C1838333, MONDO:0013699, OMIM 614337. Disease mechanism: loss of function.

Submission:

Centre for Mendelian Genomics, University Medical Centre Ljubljana
Classification: Uncertain significance for Lynch syndrome 4. Last evaluated: 2022-12-09. Review status: criteria provided, single submitter. Criteria: ACMG Guidelines, 2015. Collection method: research. Allele origin: germline. Affected: no.
Comment: PVS1, PM2_SUP

NM_000535.7(PMS2):c.1145-2_1145-1del

Gene: PMS2 (PMS1 homolog 2, mismatch repair system component; minus strand). Cytogenetic location: 7p22.1.
Variant type: Deletion.
Coding change: c.1145-2_1145-1del on transcript NM_000535.7 (MANE Select); the canonical splice acceptor site of the intron before coding-DNA position 1145, 2 bases deleted (AG; older notation c.1145-2_1145-1delAG).
Molecular consequence: splice acceptor variant.
Genome position (GRCh38, 1-based): chr7:5,987,621-5,987,622, CT deleted on the plus strand (AG on the coding strand, the reverse complement: PMS2 is on the minus strand). VCF-style (leftmost placement, unchanged base first): chr7-5987620-CCT-C. GRCh37 (hg19) VCF-style: chr7-6027251-CCT-C.
Other names: c.827-2_827-1del (NM_001322008.2, NM_001322007.2); c.584-2_584-1del (NM_001322010.2); c.740-2_740-1del (NM_001322004.2, NM_001322003.2, NM_001322009.2 and 1 more transcripts); c.572-2_572-1del (NM_001322013.2); c.212-2_212-1del (NM_001322012.2, NM_001322011.2); c.836-2_836-1del (NM_001322015.2); c.989-2_989-1del (NM_001322006.2); c.1145-2_1145-1del (NM_001322014.2).
Identifiers: ClinVar variation 1803772 (VCV001803772.2), dbSNP rs2535844680, ClinGen allele CA2580076986.
Genomic context (GRCh38, chr7:5,987,620, plus strand): 5'-TGATCCTGCTTTTCTACCATGGGCTTTTCCAAATCCGCTGCATGCATTTTTATTAAGTTA[CCT>C]AAGCAAACGTGGACGGAGAAGAGGGTCAGGGACTATCCTGAAATGGTGAGAGGACGTGCT-3'